The following is an entry in ClinVar:

ClinVar aggregate classification (germline): Uncertain significance (1 of 4 stars; one submission).

Submission:

Labcorp Genetics (formerly Invitae), Labcorp
Classification: Uncertain significance. Last evaluated: 2025-10-04. Review status: criteria provided, single submitter. Criteria: Invitae Variant Classification Sherloc (09022015). Collection method: clinical testing. Allele origin: germline.
Comment: This sequence change replaces threonine, which is neutral and polar, with methionine, which is neutral and non-polar, at codon 987 of the PIEZO2 protein (p.Thr987Met). This variant is present in population databases (no rsID available, gnomAD 0.002%). This variant has not been reported in the literature in individuals affected with PIEZO2-related conditions. An algorithm developed to predict the effect of missense changes on protein structure and function (PolyPhen-2) suggests that this variant is likely to be disruptive. In summary, the available evidence is currently insufficient to determine the role of this variant in disease. Therefore, it has been classified as a Variant of Uncertain Significance.

NM_001378183.1(PIEZO2):c.3035_3036inv (p.Thr1012Met)

Gene: PIEZO2 (piezo type mechanosensitive ion channel component 2; minus strand). Cytogenetic location: 18p11.22.
Variant type: Inversion.
Coding change: c.3035_3036inv on transcript NM_001378183.1 (MANE Select).
Protein change: p.Thr1012Met; replaces threonine 1012 with methionine.
Molecular consequence: missense variant.
Genome position: GRCh38 VCF-style: chr18-10763009-TG-CA. GRCh37 (hg19) VCF-style: chr18-10763007-TG-CA.
Other names: c.3035_3036inv, p.Thr1012Met (NM_001410871.1); c.2960_2961inv, p.Thr987Met (NM_022068.4); short protein forms T1012M, T987M.
Identifiers: ClinVar variation 4691788 (VCV004691788.1).